The following is an entry in ClinVar:

ClinVar aggregate classification (germline): Pathogenic (0 of 4 stars; one submission).

Submission:

Leiden Open Variation Database
Classification: Pathogenic. Last evaluated: 2021-03-07. Review status: no assertion criteria provided. Collection method: curation. Allele origin: germline. Affected: yes.
Comment: Curator: Global Variome, with Curator vacancy. Submitter to LOVD: Julia Lopez.

Literature cited by the submitters: PubMed 11139241; PubMed 16799052.

NM_000322.5(PRPH2):c.516G>T (p.Arg172=)

Gene: PRPH2 (peripherin 2; minus strand). Cytogenetic location: 6p21.1.
Variant type: single nucleotide variant.
Coding change: c.516G>T on transcript NM_000322.5 (MANE Select); coding-DNA position 516, G replaced by T.
Protein change: p.Arg172=; no amino-acid change (arginine 172 retained).
Molecular consequence: synonymous variant.
Genome position (GRCh38, 1-based): chr6:42,721,819, C>A on the plus strand (G>T on the coding strand, the complement: PRPH2 is on the minus strand). VCF-style: chr6-42721819-C-A. GRCh37 (hg19) VCF-style: chr6-42689557-C-A.
Identifiers: ClinVar variation 1175217 (VCV001175217.1), dbSNP rs2152010899, ClinGen allele CA450362459.